The following is an entry in ClinVar:

ClinVar aggregate classification (germline): Benign (1 of 4 stars; one submission).

Conditions:
Familial cancer of breast. Also called: BREAST CANCER, FAMILIAL; Hereditary breast cancer; hereditary breast carcinoma. Identifiers: Orphanet 227535, MedGen C0346153, MONDO:0016419, OMIM 114480. Disease mechanism: loss of function.

Submission:

GeneDx
Classification: Benign for Familial cancer of breast. Last evaluated: 2014-07-02. Review status: criteria provided, single submitter. Criteria: GeneDx Variant Classification (06012015). Collection method: clinical testing. Allele origin: germline. Affected: yes.
Comment: The variant is found in BRCA,HIRISK-BR-HEREDIC panel(s).

NM_007294.3:c.441+6insA

Gene: BRCA1 (BRCA1 DNA repair associated; minus strand). Cytogenetic location: 17q21.31.
Variant type: Insertion.
Identifiers: ClinVar variation 182086 (VCV000182086.2).